The following is an entry in ClinVar:

ClinVar aggregate classification (germline): Conflicting classifications of pathogenicity. Review status: criteria provided, conflicting classifications (1 of 4 stars). 2 submissions from 2 submitters: Uncertain significance (1); Likely benign (1). Last evaluated 2026-06-15.

Conditions:
Ataxia-telangiectasia syndrome (AT). Also called: Cerebello-oculocutaneous telangiectasia; Immunodeficiency with ataxia telangiectasia; Ataxia-telangiectasia, complementation group E; LOUIS-BAR SYNDROME; Ataxia telangiectasia (A-T); Ataxia-telangiectasia, complementation group D. Identifiers: Orphanet 100, MedGen C0004135, MONDO:0008840, OMIM 208900.
Hereditary cancer-predisposing syndrome. Also called: Hereditary Cancer Syndrome; Hereditary neoplastic syndrome; Neoplastic Syndromes, Hereditary; Tumor predisposition. Identifiers: Orphanet 140162, MedGen C0027672, MeSH D009386, MONDO:0015356.

Submissions (2):

Ambry Genetics
Classification: Likely benign for Hereditary cancer-predisposing syndrome. Last evaluated: 2026-06-15. Review status: criteria provided, single submitter. Criteria: Ambry Variant Classification Scheme 2023. Collection method: clinical testing. Allele origin: germline.

Labcorp Genetics (formerly Invitae), Labcorp
Classification: Uncertain significance for Ataxia-telangiectasia syndrome. Last evaluated: 2023-06-22. Review status: criteria provided, single submitter. Criteria: Invitae Variant Classification Sherloc (09022015). Collection method: clinical testing. Allele origin: germline.
Comment: In summary, the available evidence is currently insufficient to determine the role of this variant in disease. Therefore, it has been classified as a Variant of Uncertain Significance. An algorithm developed to predict the effect of missense changes on protein structure and function (PolyPhen-2) suggests that this variant is likely to be disruptive. This variant has not been reported in the literature in individuals affected with ATM-related conditions. This variant is not present in population databases (gnomAD no frequency). This sequence change replaces lysine, which is basic and polar, with arginine, which is basic and polar, at codon 748 of the ATM protein (p.Lys748Arg).

NM_000051.4(ATM):c.2243A>G (p.Lys748Arg)

Gene: ATM (ATM serine/threonine kinase; plus strand). Cytogenetic location: 11q22.3.
Variant type: single nucleotide variant.
Coding change: c.2243A>G on transcript NM_000051.4 (MANE Select); coding-DNA position 2243, A replaced by G.
Protein change: p.Lys748Arg; replaces lysine 748 with arginine.
Molecular consequence: missense variant.
Genome position (GRCh38, 1-based): chr11:108,256,333, A>G. VCF-style: chr11-108256333-A-G. GRCh37 (hg19) VCF-style: chr11-108127060-A-G.
Other names: c.2243A>G, p.Lys748Arg (NM_001351834.2); short protein forms K748R.
Identifiers: ClinVar variation 2724810 (VCV002724810.4), dbSNP rs2135394760, ClinGen allele CA382539268.